The following is an entry in ClinVar:

NM_003611.3(OFD1):c.1668A>C (p.Glu556Asp)

Gene: OFD1 (OFD1 centriole and centriolar satellite protein; plus strand). Cytogenetic location: Xp22.2.
Variant type: single nucleotide variant.
Coding change: c.1668A>C on transcript NM_003611.3 (MANE Select); coding-DNA position 1668, A replaced by C.
Protein change: p.Glu556Asp; replaces glutamic acid 556 with aspartic acid.
Molecular consequence: missense variant.
Genome position (GRCh38, 1-based): chrX:13,760,128, A>C. VCF-style: chrX-13760128-A-C. GRCh37 (hg19) VCF-style: chrX-13778247-A-C.
Other names: c.1548A>C, p.Glu516Asp (NM_001330209.2); c.1248A>C, p.Glu416Asp (NM_001330210.2); short protein forms E416D, E516D, E556D.
Identifiers: ClinVar variation 2538616 (VCV002538616.5), dbSNP rs2047870882, ClinGen allele CA412343562.
Genomic context (GRCh38, chrX:13,760,128, plus strand): 5'-TCTGCCTTGTCCACTTACTTCTGAAATTGGCTTTTTGTACCCTGCAGCCCTAGAGAATGA[A>C]GTGTACTGCAATCCAAAGCAGTCTGTGATCGATCGTTCTGTCAATGGATTAATAAATGGC-3'
Protein context (NP_003602.1, residues 546-566): LKQTQTALEN[Glu556Asp]VYCNPKQSVI

ClinVar aggregate classification (germline): Uncertain significance. Review status: criteria provided, multiple submitters, no conflicts (2 of 4 stars). 2 submissions from 2 submitters: Uncertain significance (2). Last evaluated 2025-02-04.

Conditions:
Joubert syndrome. Also called: JOUBERT-BOLTSHAUSER SYNDROME; Familial aplasia of the vermis. Identifiers: Orphanet 475, MedGen C5979921, MONDO:0018772.
Orofaciodigital syndrome I (OFD1). Also called: OFDS I; Papillon-Leage and Psaume Syndrome; Oral-Facial-Digital Syndrome Type I. Identifiers: Orphanet 2750, MedGen C1510460, MONDO:0010702, OMIM 311200.
Primary ciliary dyskinesia. Also called: Ciliary dyskinesia. Identifiers: Orphanet 244, MedGen C0008780, MONDO:0016575, HP:0012265.

Allele frequency attached by ClinVar (database versions not stated): TOPMed 0.00001.

Submissions (2):

Labcorp Genetics (formerly Invitae), Labcorp
Classification: Uncertain significance for Orofaciodigital syndrome I; Joubert syndrome. Last evaluated: 2025-02-04. Review status: criteria provided, single submitter. Criteria: Invitae Variant Classification Sherloc (09022015). Collection method: clinical testing. Allele origin: germline.
Comment: This sequence change replaces glutamic acid, which is acidic and polar, with aspartic acid, which is acidic and polar, at codon 556 of the OFD1 protein (p.Glu556Asp). This variant is not present in population databases (gnomAD no frequency). This variant has not been reported in the literature in individuals affected with OFD1-related conditions. ClinVar contains an entry for this variant (Variation ID: 2538616). Invitae Evidence Modeling of protein sequence and biophysical properties (such as structural, functional, and spatial information, amino acid conservation, physicochemical variation, residue mobility, and thermodynamic stability) indicates that this missense variant is expected to disrupt OFD1 protein function with a positive predictive value of 80%. In summary, the available evidence is currently insufficient to determine the role of this variant in disease. Therefore, it has been classified as a Variant of Uncertain Significance.

Ambry Genetics
Classification: Uncertain significance for Primary ciliary dyskinesia. Last evaluated: 2023-04-19. Review status: criteria provided, single submitter. Criteria: Ambry Variant Classification Scheme 2023. Collection method: clinical testing. Allele origin: germline.